The following is an entry in ClinVar:

NM_002843.4(PTPRJ):c.1701C>T (p.Ser567=)

Gene: PTPRJ (protein tyrosine phosphatase receptor type J; plus strand). Cytogenetic location: 11p11.2.
Variant type: single nucleotide variant.
Coding change: c.1701C>T on transcript NM_002843.4 (MANE Select); coding-DNA position 1701, C replaced by T.
Protein change: p.Ser567=; no amino-acid change (serine 567 retained).
Molecular consequence: synonymous variant.
Genome position (GRCh38, 1-based): chr11:48,136,124, C>T. VCF-style: chr11-48136124-C-T. GRCh37 (hg19) VCF-style: chr11-48157676-C-T.
Identifiers: ClinVar variation 3047947 (VCV003047947.2), dbSNP rs142074473, ClinGen allele CA5982246.

ClinVar aggregate classification (germline): Likely benign (0 of 4 stars; one submission).

Conditions:
PTPRJ-related disorder. Also called: PTPRJ-related condition.

Allele frequency attached by ClinVar (database versions not stated): gnomAD exomes 0.00002; ExAC 0.00007; gnomAD 0.00009; TOPMed 0.00011; ESP Exome Variant Server 0.00015; 1000 Genomes Project 30x 0.00016; 1000 Genomes Project 0.00020.
gnomAD v4.1: 40 of 1,614,148 alleles (0.0025%); highest among the groups gnomAD compares: African/African-American, 0.029%; no homozygotes.

Submission:

PreventionGenetics, part of Exact Sciences
Classification: Likely benign for PTPRJ-related condition. Last evaluated: 2020-07-30. Review status: no assertion criteria provided. Collection method: clinical testing. Allele origin: germline.
Comment: This variant is classified as likely benign based on ACMG/AMP sequence variant interpretation guidelines (Richards et al. 2015 PMID: 25741868, with internal and published modifications).